The following is an entry in ClinVar:

ClinVar aggregate classification (germline): Uncertain significance (1 of 4 stars; one submission).

Submission:

GeneDx
Classification: Uncertain significance. Last evaluated: 2023-05-26. Review status: criteria provided, single submitter. Criteria: GeneDx Variant Classification Process June 2021. Collection method: clinical testing. Allele origin: germline.
Comment: Not observed at significant frequency in large population cohorts (gnomAD); In silico analysis supports that this missense variant does not alter protein structure/function; Has not been previously published as pathogenic or benign to our knowledge; Variants in candidate genes are classified as variants of uncertain significance in accordance with ACMG guidelines (Richards et al., 2015)

NM_014717.3(ZNF536):c.3792G>A (p.Met1264Ile)

Gene: ZNF536 (zinc finger protein 536; plus strand). Cytogenetic location: 19q12.
Variant type: single nucleotide variant.
Coding change: c.3792G>A on transcript NM_014717.3 (MANE Select); coding-DNA position 3792, G replaced by A.
Protein change: p.Met1264Ile; replaces methionine 1264 with isoleucine.
Molecular consequence: missense variant.
Genome position (GRCh38, 1-based): chr19:30,549,411, G>A. VCF-style: chr19-30549411-G-A. GRCh37 (hg19) VCF-style: chr19-31040318-G-A.
Other names: c.3792G>A, p.Met1264Ile (NM_001352260.2, NM_001376110.1, NM_001376111.1 and 1 more transcripts); short protein forms M1264I.
Identifiers: ClinVar variation 4976644 (VCV004976644.1).